The following is an entry in ClinVar:

ClinVar aggregate classification (germline): Uncertain significance (1 of 4 stars; one submission).

Allele frequency attached by ClinVar (database versions not stated): gnomAD 0.00002; ExAC 0.00003.

Submission:

Labcorp Genetics (formerly Invitae), Labcorp
Classification: Uncertain significance. Last evaluated: 2023-10-16. Review status: criteria provided, single submitter. Criteria: Invitae Variant Classification Sherloc (09022015). Collection method: clinical testing. Allele origin: germline.
Comment: This sequence change replaces arginine, which is basic and polar, with cysteine, which is neutral and slightly polar, at codon 250 of the RBP3 protein (p.Arg250Cys). This variant is present in population databases (rs782613785, gnomAD 0.01%). This variant has not been reported in the literature in individuals affected with RBP3-related conditions. ClinVar contains an entry for this variant (Variation ID: 1500337). An algorithm developed to predict the effect of missense changes on protein structure and function (PolyPhen-2) suggests that this variant is likely to be disruptive. In summary, the available evidence is currently insufficient to determine the role of this variant in disease. Therefore, it has been classified as a Variant of Uncertain Significance.

NM_002900.3(RBP3):c.748C>T (p.Arg250Cys)

Gene: RBP3 (retinol binding protein 3; plus strand). Cytogenetic location: 10q11.22.
Variant type: single nucleotide variant.
Coding change: c.748C>T on transcript NM_002900.3 (MANE Select); coding-DNA position 748, C replaced by T.
Protein change: p.Arg250Cys; replaces arginine 250 with cysteine.
Molecular consequence: missense variant.
Genome position (GRCh38, 1-based): chr10:47,349,232, C>T. VCF-style: chr10-47349232-C-T. GRCh37 (hg19) VCF-style: chr10-48390130-G-A.
Other names: short protein forms R250C.
Identifiers: ClinVar variation 1500337 (VCV001500337.6), dbSNP rs782613785, ClinGen allele CA5487706.
Genomic context (GRCh38, chr10:47,349,232, plus strand): 5'-CTCACCAGCAGCCAGACCAGGGGCGTGGCCGAGGACATCGCGCACATCCTTAAGCAGATG[C>T]GCAGGGCCATCGTGGTGGGCGAGCGGACTGGGGGAGGGGCCCTGGACCTCCGGAAGCTGA-3'
Protein context (NP_002891.1, residues 240-260): EDIAHILKQM[Arg250Cys]RAIVVGERTG